The following is an entry in ClinVar:

ClinVar aggregate classification (germline): Uncertain significance (1 of 4 stars; one submission).

Conditions:
Charcot-Marie-Tooth disease type 2. Also called: Charcot-Marie-Tooth type 2. Identifiers: Orphanet 64746, MedGen C0270914, MONDO:0018993.

Submission:

Labcorp Genetics (formerly Invitae), Labcorp
Classification: Uncertain significance for Charcot-Marie-Tooth disease type 2. Last evaluated: 2023-10-13. Review status: criteria provided, single submitter. Criteria: Invitae Variant Classification Sherloc (09022015). Collection method: clinical testing. Allele origin: germline.
Comment: This sequence change replaces proline, which is neutral and non-polar, with alanine, which is neutral and non-polar, at codon 87 of the MED25 protein (p.Pro87Ala). This variant is not present in population databases (gnomAD no frequency). This variant has not been reported in the literature in individuals affected with MED25-related conditions. ClinVar contains an entry for this variant (Variation ID: 2120623). An algorithm developed to predict the effect of missense changes on protein structure and function (PolyPhen-2) suggests that this variant is likely to be disruptive. In summary, the available evidence is currently insufficient to determine the role of this variant in disease. Therefore, it has been classified as a Variant of Uncertain Significance.

NM_030973.4(MED25):c.259C>G (p.Pro87Ala)

Gene: MED25 (mediator complex subunit 25; plus strand). Cytogenetic location: 19q13.33.
Variant type: single nucleotide variant.
Coding change: c.259C>G on transcript NM_030973.4 (MANE Select); coding-DNA position 259, C replaced by G.
Protein change: p.Pro87Ala; replaces proline 87 with alanine.
Molecular consequence: missense variant.
Genome position (GRCh38, 1-based): chr19:49,819,250, C>G. VCF-style: chr19-49819250-C-G. GRCh37 (hg19) VCF-style: chr19-50322507-C-G.
Other names: c.259C>G, p.Pro87Ala (NM_001378355.1); short protein forms P87A.
Identifiers: ClinVar variation 2120623 (VCV002120623.4), dbSNP rs2514497667, ClinGen allele CA406909652.